The following is an entry in ClinVar:

ClinVar aggregate classification (germline): Uncertain significance. Review status: criteria provided, multiple submitters, no conflicts (2 of 4 stars). 2 submissions from 2 submitters: Uncertain significance (2). Last evaluated 2025-06-22.

Allele frequency attached by ClinVar (database versions not stated): gnomAD exomes 0.00003 and 0.00006; ExAC 0.00005; ESP Exome Variant Server 0.00008; gnomAD 0.00009 and 0.00011; TOPMed 0.00011.
gnomAD v4.1: 54 of 1,613,978 alleles (0.0033%); highest among the groups gnomAD compares: African/African-American, 0.019%; no homozygotes.

Submissions (2):

Ambry Genetics
Classification: Uncertain significance. Last evaluated: 2025-06-22. Review status: criteria provided, single submitter. Criteria: Ambry Variant Classification Scheme 2023. Collection method: clinical testing. Allele origin: germline.

Labcorp Genetics (formerly Invitae), Labcorp
Classification: Uncertain significance. Last evaluated: 2021-08-31. Review status: criteria provided, single submitter. Criteria: Invitae Variant Classification Sherloc (09022015). Collection method: clinical testing. Allele origin: germline.
Comment: This sequence change replaces asparagine with serine at codon 252 of the ICK protein (p.Asn252Ser). The asparagine residue is highly conserved and there is a small physicochemical difference between asparagine and serine. This variant is present in population databases (rs140607719, ExAC 0.03%). This variant has not been reported in the literature in individuals affected with ICK-related conditions. Algorithms developed to predict the effect of missense changes on protein structure and function (SIFT, PolyPhen-2, Align-GVGD) all suggest that this variant is likely to be disruptive. Algorithms developed to predict the effect of sequence changes on RNA splicing suggest that this variant may create or strengthen a splice site. In summary, the available evidence is currently insufficient to determine the role of this variant in disease. Therefore, it has been classified as a Variant of Uncertain Significance.

NM_014920.5(CILK1):c.755A>G (p.Asn252Ser)

Gene: CILK1 (ciliogenesis associated kinase 1; minus strand). Cytogenetic location: 6p12.1.
Variant type: single nucleotide variant.
Coding change: c.755A>G on transcript NM_014920.5 (MANE Select); coding-DNA position 755, A replaced by G.
Protein change: p.Asn252Ser; replaces asparagine 252 with serine.
Molecular consequence: missense variant. On other transcripts: non-coding transcript variant (1).
Genome position (GRCh38, 1-based): chr6:53,016,159, T>C on the plus strand (A>G on the coding strand, the complement: CILK1 is on the minus strand). VCF-style: chr6-53016159-T-C. GRCh37 (hg19) VCF-style: chr6-52880957-T-C.
Other names: c.755A>G, p.Asn252Ser (NM_001375397.1, NM_001375398.1, NM_001375399.1 and 4 more transcripts); c.755A>G (NM_016513.4); short protein forms N252S.
Identifiers: ClinVar variation 1680559 (VCV001680559.6), dbSNP rs140607719, ClinGen allele CA3858705.